The following is an entry in ClinVar:

NM_031372.4(HNRNPDL):c.52G>A (p.Ala18Thr)

Gene: HNRNPDL (heterogeneous nuclear ribonucleoprotein D like; minus strand). Cytogenetic location: 4q21.22.
Variant type: single nucleotide variant.
Coding change: c.52G>A on transcript NM_031372.4 (MANE Select); coding-DNA position 52, G replaced by A.
Protein change: p.Ala18Thr; replaces alanine 18 with threonine.
Molecular consequence: missense variant. On other transcripts: non-coding transcript variant (1).
Genome position (GRCh38, 1-based): chr4:82,429,639, C>T on the plus strand (G>A on the coding strand, the complement: HNRNPDL is on the minus strand). VCF-style: chr4-82429639-C-T. GRCh37 (hg19) VCF-style: chr4-83350792-C-T.
Other names: c.52G>A, p.Ala18Thr (NM_001207000.1); short protein forms A18T.
Identifiers: ClinVar variation 3607321 (VCV003607321.2).

ClinVar aggregate classification (germline): Uncertain significance (1 of 4 stars; one submission).

Conditions:
Autosomal dominant limb-girdle muscular dystrophy type 1G (LGMDD3). Also called: Limb-girdle muscular dystrophy, type 1G; MUSCULAR DYSTROPHY, LIMB-GIRDLE, AUTOSOMAL DOMINANT 3. Identifiers: Orphanet 55596, MedGen C1836765, MONDO:0012193, OMIM 609115.

gnomAD v4.1: 2 of 1,367,930 alleles (0.00015%); highest among the groups gnomAD compares: Non-Finnish European, 0.00019%; no homozygotes.

Submission:

Labcorp Genetics (formerly Invitae), Labcorp
Classification: Uncertain significance for Autosomal dominant limb-girdle muscular dystrophy type 1G. Last evaluated: 2024-02-23. Review status: criteria provided, single submitter. Criteria: Invitae Variant Classification Sherloc (09022015). Collection method: clinical testing. Allele origin: germline.
Comment: This sequence change replaces alanine, which is neutral and non-polar, with threonine, which is neutral and polar, at codon 18 of the HNRNPDL protein (p.Ala18Thr). This variant is not present in population databases (gnomAD no frequency). This variant has not been reported in the literature in individuals affected with HNRNPDL-related conditions. An algorithm developed to predict the effect of missense changes on protein structure and function (PolyPhen-2) suggests that this variant is likely to be tolerated. In summary, the available evidence is currently insufficient to determine the role of this variant in disease. Therefore, it has been classified as a Variant of Uncertain Significance.